The following is an entry in ClinVar:

NM_001009999.3(KDM1A):c.875C>A (p.Pro292His)

Gene: KDM1A (lysine demethylase 1A; plus strand). Cytogenetic location: 1p36.12.
Variant type: single nucleotide variant.
Coding change: c.875C>A on transcript NM_001009999.3 (MANE Select); coding-DNA position 875, C replaced by A.
Protein change: p.Pro292His; replaces proline 292 with histidine.
Molecular consequence: missense variant.
Genome position (GRCh38, 1-based): chr1:23,055,153, C>A. VCF-style: chr1-23055153-C-A. GRCh37 (hg19) VCF-style: chr1-23381646-C-A.
Other names: c.815C>A, p.Pro272His (NM_001363654.2, NM_001410763.1, NM_015013.4); c.875C>A, p.Pro292His (NM_001410762.1); short protein forms P272H, P292H.
Identifiers: ClinVar variation 4091079 (VCV004091079.1).

ClinVar aggregate classification (germline): Uncertain significance (1 of 4 stars; one submission).

Conditions:
Inborn genetic diseases. Identifiers: MedGen C0950123, MeSH D030342.

gnomAD v4.1: 1 of 1,601,258 alleles (0.000062%); highest among the groups gnomAD compares: Admixed American, 0.0017%; no homozygotes.

Submission:

Ambry Genetics
Classification: Uncertain significance for Inborn genetic diseases. Last evaluated: 2025-07-28. Review status: criteria provided, single submitter. Criteria: Ambry Variant Classification Scheme 2023. Collection method: clinical testing. Allele origin: germline.
Comment: The p.P292H variant (also known as c.875C>A), located in coding exon 6 of the KDM1A gene, results from a C to A substitution at nucleotide position 875. The proline at codon 292 is replaced by histidine, an amino acid with similar properties. This amino acid position is conserved. In addition, the in silico prediction for this alteration is inconclusive. Based on the available evidence, the clinical significance of this variant remains unclear.